The following is an entry in ClinVar:

NM_001365951.3(KIF1B):c.91C>G (p.Gln31Glu)

Genes: KIF1B (kinesin family member 1B; plus strand), LOC129388446 (MPRA-validated peak64 silencer; plus strand). Cytogenetic location: 1p36.22.
Variant type: single nucleotide variant.
Coding change: c.91C>G on transcript NM_001365951.3 (MANE Select); coding-DNA position 91, C replaced by G.
Protein change: p.Gln31Glu; replaces glutamine 31 with glutamic acid.
Molecular consequence: missense variant.
Genome position (GRCh38, 1-based): chr1:10,232,419, C>G. VCF-style: chr1-10232419-C-G. GRCh37 (hg19) VCF-style: chr1-10292477-C-G.
Other names: c.91C>G, p.Gln31Glu (NM_001365952.1, NM_001365953.1, NM_015074.3 and 1 more transcripts); short protein forms Q31E.
Identifiers: ClinVar variation 1766158 (VCV001766158.3), dbSNP rs890108015, ClinGen allele CA338316463.

ClinVar aggregate classification (germline): Uncertain significance (1 of 4 stars; one submission).

Submission:

Ambry Genetics
Classification: Uncertain significance. Last evaluated: 2024-06-10. Review status: criteria provided, single submitter. Criteria: Ambry Variant Classification Scheme 2023. Collection method: clinical testing. Allele origin: germline.
Comment: The p.Q31E variant (also known as c.91C>G), located in coding exon 1 of the KIF1B gene, results from a C to G substitution at nucleotide position 91. The glutamine at codon 31 is replaced by glutamic acid, an amino acid with highly similar properties. This amino acid position is conserved. In addition, the in silico prediction for this alteration is inconclusive. Since supporting evidence is limited at this time, the clinical significance of this alteration remains unclear.